The following is an entry in ClinVar:

NM_031935.3(HMCN1):c.14342A>C (p.Tyr4781Ser)

Gene: HMCN1 (hemicentin 1; plus strand). Cytogenetic location: 1q31.1.
Variant type: single nucleotide variant.
Coding change: c.14342A>C on transcript NM_031935.3 (MANE Select); coding-DNA position 14342, A replaced by C.
Protein change: p.Tyr4781Ser; replaces tyrosine 4781 with serine.
Molecular consequence: missense variant.
Genome position (GRCh38, 1-based): chr1:186,145,478, A>C. VCF-style: chr1-186145478-A-C. GRCh37 (hg19) VCF-style: chr1-186114610-A-C.
Other names: short protein forms Y4781S.
Identifiers: ClinVar variation 4713006 (VCV004713006.1).
Genomic context (GRCh38, chr1:186,145,478, plus strand): 5'-GTCCTTGGAGTGGCTGGGGAACATGCAGCCGGACGTGTAACGGAGGGCAGATGCGGCGGT[A>C]CCGCACATGTGATAACCCTCCTCCCTCCAATGGGGGAAGAGCTTGTGGGGGACCAGACTC-3'
Protein context (NP_114141.2, residues 4771-4791): RTCNGGQMRR[Tyr4781Ser]RTCDNPPPSN

ClinVar aggregate classification (germline): Uncertain significance (1 of 4 stars; one submission).

Submission:

Labcorp Genetics (formerly Invitae), Labcorp
Classification: Uncertain significance. Last evaluated: 2025-07-05. Review status: criteria provided, single submitter. Criteria: Invitae Variant Classification Sherloc (09022015). Collection method: clinical testing. Allele origin: germline.
Comment: This sequence change replaces tyrosine, which is neutral and polar, with serine, which is neutral and polar, at codon 4781 of the HMCN1 protein (p.Tyr4781Ser). This variant is not present in population databases (gnomAD no frequency). This variant has not been reported in the literature in individuals affected with HMCN1-related conditions. An algorithm developed to predict the effect of missense changes on protein structure and function (PolyPhen-2) suggests that this variant is likely to be disruptive. In summary, the available evidence is currently insufficient to determine the role of this variant in disease. Therefore, it has been classified as a Variant of Uncertain Significance.